The following is an entry in ClinVar:

ClinVar aggregate classification (germline): Uncertain significance (1 of 4 stars; one submission).

Submission:

Labcorp Genetics (formerly Invitae), Labcorp
Classification: Uncertain significance. Last evaluated: 2023-05-02. Review status: criteria provided, single submitter. Criteria: Invitae Variant Classification Sherloc (09022015). Collection method: clinical testing. Allele origin: unknown.
Comment: In summary, the available evidence is currently insufficient to determine the role of this variant in disease. Therefore, it has been classified as a Variant of Uncertain Significance. This variant has not been reported in the literature in individuals affected with ITGAM-related conditions. This variant results in a copy number gain of the genomic region encompassing exon(s) 1-6 of the ITGAM gene. This region includes the initiator codon of the gene. This copy number gain extends beyond the assayed region for this gene and therefore may encompass additional genes. As the precise location of this event is unknown, it may be in tandem or it may be located elsewhere in the genome.

NC_000016.9:g.(?_31271386)_(31282425_?)dup

Gene: ITGAM (integrin subunit alpha M; plus strand). Cytogenetic location: 16p11.2.
Variant type: Duplication.
Identifiers: ClinVar variation 3243588 (VCV003243588.1).